The following is an entry in ClinVar:

ClinVar aggregate classification (germline): Uncertain significance. Review status: criteria provided, multiple submitters, no conflicts (2 of 4 stars). 2 submissions from 2 submitters: Uncertain significance (2). Last evaluated 2026-07-20.

Conditions:
Hereditary cancer-predisposing syndrome. Also called: Tumor predisposition; Hereditary neoplastic syndrome; Neoplastic Syndromes, Hereditary; Hereditary Cancer Syndrome. Identifiers: Orphanet 140162, MedGen C0027672, MeSH D009386, MONDO:0015356.

Submissions (2):

Ambry Genetics
Classification: Uncertain significance for Hereditary cancer-predisposing syndrome. Last evaluated: 2026-07-20. Review status: criteria provided, single submitter. Criteria: Ambry Variant Classification Scheme 2023. Collection method: clinical testing. Allele origin: germline.
Comment: The p.P1283R variant (also known as c.3848C>G), located in coding exon 26 of the SMARCA4 gene, results from a C to G substitution at nucleotide position 3848. The proline at codon 1283 is replaced by arginine, an amino acid with dissimilar properties. This amino acid position is highly conserved in available vertebrate species. In addition, the in silico prediction for this alteration is inconclusive. Based on the available evidence, the clinical significance of this variant remains unclear.

Sema4
Classification: Uncertain significance for Hereditary cancer-predisposing syndrome. Last evaluated: 2021-08-09. Review status: criteria provided, single submitter. Criteria: Sema4 Curation Guidelines. Collection method: curation. Allele origin: germline.
Comment: The SMARCA4 c.3848C>G (p.P1283R) variant has not been reported in the literature to our knowledge. It was not observed in the large and broad cohorts of the Genome Aggregation Database (PMID: 32461654). The variant has not been reported in ClinVar. Functional studies have not been performed, and in silico predictions of the variant's effect on protein function are inconclusive. The evidence is insufficient to meet ACMG/AMP criteria for classifying the variant as benign or pathogenic. Thus, the clinical significance of this variant is currently uncertain.

NM_003072.5(SMARCA4):c.3848C>G (p.Pro1283Arg)

Gene: SMARCA4 (SWI/SNF related BAF chromatin remodeling complex subunit ATPase 4; plus strand). Cytogenetic location: 19p13.2.
Variant type: single nucleotide variant.
Coding change: c.3848C>G on transcript NM_003072.5 (MANE Select); coding-DNA position 3848, C replaced by G.
Protein change: p.Pro1283Arg; replaces proline 1283 with arginine.
Molecular consequence: missense variant. On other transcripts: intron variant (5).
Genome position (GRCh38, 1-based): chr19:11,033,840, C>G. VCF-style: chr19-11033840-C-G. GRCh37 (hg19) VCF-style: chr19-11144516-C-G.
Other names: c.3775-283C>G (NM_001128847.4, NM_001374457.1, NM_001128845.2 and 2 more transcripts); c.3848C>G, p.Pro1283Arg (NM_001128844.3, NM_001128849.3, NM_001387283.1); short protein forms P1283R.
Identifiers: ClinVar variation 1692592 (VCV001692592.2), dbSNP rs2146667556, ClinGen allele CA404066754.
Genomic context (GRCh38, chr19:11,033,840, plus strand): 5'-GCACGGGCAGCGGCAGTGCCAGCTTCGCCCACACTGCCCCTCCGCCAGCGGGCGTCAACC[C>G]CGACTTGGAGGAGCCACCTCTAAAGGTGAGAGGGGTAGTTCAGTCTCCATGCCCATTCAA-3'
Protein context (NP_003063.2, residues 1273-1293): HTAPPPAGVN[Pro1283Arg]DLEEPPLKEE